The following is an entry in ClinVar:

NM_006005.3(WFS1):c.472G>A (p.Glu158Lys)

Gene: WFS1 (wolframin ER transmembrane glycoprotein; plus strand). Cytogenetic location: 4p16.1.
Variant type: single nucleotide variant.
Coding change: c.472G>A on transcript NM_006005.3 (MANE Select); coding-DNA position 472, G replaced by A.
Protein change: p.Glu158Lys; replaces glutamic acid 158 with lysine.
Molecular consequence: missense variant.
Genome position (GRCh38, 1-based): chr4:6,291,208, G>A. VCF-style: chr4-6291208-G-A. GRCh37 (hg19) VCF-style: chr4-6292935-G-A.
Other names: c.472G>A, p.Glu158Lys (NM_001145853.1); short protein forms E158K.
Identifiers: ClinVar variation 1404588 (VCV001404588.13), dbSNP rs567563179, ClinGen allele CA2838915.

ClinVar aggregate classification (germline): Conflicting classifications of pathogenicity. Review status: criteria provided, conflicting classifications (1 of 4 stars). 7 submissions from 7 submitters: Pathogenic (1); Likely pathogenic (3); Uncertain significance (3). Last evaluated 2026-08-06.

Conditions:
Wolfram-like syndrome. Also called: HEARING LOSS, PROGRESSIVE, WITH OPTIC ATROPHY AND/OR IMPAIRED GLUCOSE REGULATION. Identifiers: Orphanet 411590, MedGen C3280358, MONDO:0013673, OMIM 614296.
Cataract 41 (CTRCT41). Also called: CATARACT 41, CONGENITAL NUCLEAR TYPE. Identifiers: Orphanet 91492, Orphanet 98991, Orphanet 98992, Orphanet 98995, MedGen C3805412, MONDO:0007287, OMIM 116400.
Type 2 diabetes mellitus. Also called: Type II diabetes mellitus. Identifiers: MedGen C0011860, MeSH D003924, MONDO:0005148, OMIM 125853, HP:0005978.
Autosomal dominant nonsyndromic hearing loss 6 (LFSNHL). Also called: DEAFNESS, AUTOSOMAL DOMINANT 6; DEAFNESS, AUTOSOMAL DOMINANT 14; DEAFNESS, AUTOSOMAL DOMINANT 38; Autosomal dominant nonsyndromic deafness 6. Identifiers: Orphanet 90635, MedGen C1833021, MONDO:0010963, OMIM 600965.
Wolfram syndrome 1 (WFS1). Identifiers: Orphanet 3463, MedGen C4551693, MONDO:0009101, OMIM 222300.

Allele frequency attached by ClinVar (database versions not stated): gnomAD exomes 0.00001 and 0.00002; TOPMed 0.00001; gnomAD 0.00001 and 0.00002; ExAC 0.00002; 1000 Genomes Project 0.00020.

Submissions (7):

OLLIN Analises Genomicas, OLLIN
Classification: Likely pathogenic for Type 2 diabetes mellitus. Last evaluated: 2026-08-06. Review status: criteria provided, single submitter. Criteria: ACMG Guidelines 2015 PMID 25741868. Collection method: clinical testing. Allele origin: germline. Inheritance: Autosomal dominant inheritance.
Comment: This missense variant, located in exon 5 (of 8), has been reported in ClinVar (accession VCV001404588.11), in gnomAD with an allele frequency of 0.0011%, and in the scientific literature, in compound heterozygosity, in individuals with WFS1 related disorders (PMID: 34848728, 19042979, 31658956). Functional studies suggest that this variant may affect protein function, and in silico analysis predicts a deleterious effect (PMID: 34848728). According to the currently available evidence, this variant has been classified as likely pathogenic (PS3_P, PM2_P, PM3, PP3_M).

Victorian Clinical Genetics Services, Murdoch Childrens Research Institute
Classification: Pathogenic for Wolfram syndrome 1. Last evaluated: 2025-05-02. Review status: criteria provided, single submitter. Criteria: ACMG Guidelines, 2015. Collection method: clinical testing. Allele origin: germline. Affected: no.
Comment: This variant is classified as Pathogenic. Evidence in support of pathogenic classification: Variant is present in gnomAD <0.001 for a dominant condition (v4: 18 heterozygotes, 0 homozygote(s)) ; This variant has strong previous evidence of pathogenicity in unrelated individuals. This variant has been classified as likely pathogenic and as a VUS by clinical laboratories in ClinVar, it has been reported in four affected individuals in the literature with Wolfram syndrome in either the homozygous state or compound heterozygous with another variant (ClinVar, PMID: 19042979, 31658956, 26017216, 38703036); This variant has moderate functional evidence supporting abnormal protein function. In vitro analysis in HEK-293T cells demonstrated this variant results in loss of interaction between WFS1 and SEC24A as well as disrupted endoplasmic reticulum localisation (PMID: 34848728); Missense variant predicted to be damaging by in silico tool(s) or highly conserved with a major amino acid change. Additional information: Variant is predicted to result in a missense amino acid change from glutamic acid to lysine; This variant is heterozygous; This gene is associated with both recessive and dominant disease. Both deafness 6/14/38 (MIM#600965) and Wolfram-like syndrome (MIM#614296) are inherited in an autosomal dominant manner, while Wolfram syndrome 1 (MIM#222300) is autosomal recessive. A clear genotype-phenotype correlation is currently not yet established; No published segregation evidence has been identified for this variant; No comparable missense variants have previous evidence for pathogenicity; Variant is located in the annotated Wolframin Sel1-like repeat (DECIPHER); Loss of function is a known mechanism of disease in this gene and is associated with autosomal recessive Wolfram syndrome (MIM#222300). Dominant-negative is suggested for heterozygous missense variants causing autosomal dominant Wolfram-like syndrome (MIM#614296) (PMID: 32219690); Inheritance information for this variant is not currently available in this individual.

Labcorp Genetics (formerly Invitae), Labcorp
Classification: Likely pathogenic. Last evaluated: 2024-12-16. Review status: criteria provided, single submitter. Criteria: Invitae Variant Classification Sherloc (09022015). Collection method: clinical testing. Allele origin: germline.
Comment: This sequence change replaces glutamic acid, which is acidic and polar, with lysine, which is basic and polar, at codon 158 of the WFS1 protein (p.Glu158Lys). This variant is present in population databases (rs567563179, gnomAD 0.006%). This missense change has been observed in individual(s) with clinical features of Wolfram syndrome (PMID: 19042979, 31658956, 33841295). ClinVar contains an entry for this variant (Variation ID: 1404588). Invitae Evidence Modeling of protein sequence and biophysical properties (such as structural, functional, and spatial information, amino acid conservation, physicochemical variation, residue mobility, and thermodynamic stability) indicates that this missense variant is not expected to disrupt WFS1 protein function with a negative predictive value of 80%. Experimental studies have shown that this missense change affects WFS1 function (PMID: 34848728). In summary, the currently available evidence indicates that the variant is pathogenic, but additional data are needed to prove that conclusively. Therefore, this variant has been classified as Likely Pathogenic.

Blueprint Genetics
Classification: Uncertain significance. Last evaluated: 2024-09-05. Review status: criteria provided, single submitter. Criteria: ACMG Guidelines, 2015. Collection method: clinical testing. Allele origin: germline.

Fulgent Genetics
Classification: Uncertain significance for Cataract 41; Type 2 diabetes mellitus; Wolfram syndrome 1; Autosomal dominant nonsyndromic hearing loss 6; Wolfram-like syndrome. Last evaluated: 2024-01-22. Review status: criteria provided, single submitter. Criteria: ACMG Guidelines, 2015. Collection method: clinical testing. Allele origin: germline.

3billion
Classification: Likely pathogenic for Wolfram syndrome 1. Last evaluated: 2023-08-07. Review status: criteria provided, single submitter. Criteria: ACMG Guidelines, 2015. Collection method: clinical testing. Allele origin: germline. Affected: yes.
Comment: The variant is observed at an extremely low frequency in the gnomAD v2.1.1 dataset (total allele frequency: 0.002%). Predicted Consequence/Location: Missense variant In silico tool predictions suggest damaging effect of the variant on gene or gene product [REVEL: 0.82 (>=0.6, sensitivity 0.68 and specificity 0.92)]. Same nucleotide change resulting in same amino acid change has been previously reported to be associated with WFS1 related disorder (PMID: 19042979).The variant has been reported to be in trans with a variant of uncertain significance as either compound heterozygous or homozygous in at least one similarly affected unrelated individual (PMID: 19042979, 31658956). Therefore, this variant is classified as VUS according to the recommendation of ACMG/AMP guideline.

Mendelics
Classification: Uncertain significance. Last evaluated: 2022-05-04. Review status: criteria provided, single submitter. Criteria: Mendelics Assertion Criteria 2019. Collection method: clinical testing. Allele origin: germline.

Literature cited by the submitters: PubMed 34848728 (cited by 3 submitters); PubMed 19042979 (cited by 4 submitters); PubMed 31658956 (cited by 4 submitters); PubMed 26017216 (cited by Victorian Clinical Genetics Services, Murdoch Childrens Research Institute); PubMed 32219690 (cited by Victorian Clinical Genetics Services, Murdoch Childrens Research Institute); PubMed 38703036 (cited by Victorian Clinical Genetics Services, Murdoch Childrens Research Institute); PubMed 33841295 (cited by Labcorp Genetics (formerly Invitae), Labcorp).